The following is an entry in ClinVar:

NM_000369.5(TSHR):c.545+3G>C

Genes: TSHR (thyroid stimulating hormone receptor; plus strand), TSHR-AS1 (TSHR antisense RNA 1; minus strand). Cytogenetic location: 14q31.1.
Variant type: single nucleotide variant.
Coding change: c.545+3G>C on transcript NM_000369.5 (MANE Select); 3 bases into the intron after coding-DNA position 545, G replaced by C.
Molecular consequence: intron variant.
Genome position (GRCh38, 1-based): chr14:81,092,611, G>C. VCF-style: chr14-81092611-G-C. GRCh37 (hg19) VCF-style: chr14-81558955-G-C.
Other names: IVS6, G-C, +3; c.545+3G>C (NM_001142626.3, NM_001018036.3).
Identifiers: ClinVar variation 6461 (VCV000006461.6), dbSNP rs786205080, ClinGen allele CA212855.

ClinVar aggregate classification (germline): Likely pathogenic. Review status: criteria provided, single submitter (1 of 4 stars). 2 submissions from 2 submitters: Likely pathogenic (1). 1 of the submissions does not count toward it. Last evaluated 2023-04-11.

Conditions:
Hypothyroidism due to TSH receptor mutations. Also called: Hypothyroidism, congenital, nongoitrous, 1; TSH RESISTANCE; HYPOTHYROIDISM DUE TO UNRESPONSIVENESS TO THYROTROPIN; HYPOTHYROIDISM, CONGENITAL, DUE TO TSH RESISTANCE; HYPOTHYROIDISM, NONAUTOIMMUNE; THYROID-STIMULATING HORMONE, RESISTANCE TO. Identifiers: Orphanet 90673, MedGen C3493776, MONDO:0010142, OMIM 275200.

Allele frequency attached by ClinVar (database versions not stated): gnomAD exomes below 0.00001; gnomAD 0.00001.
gnomAD v4.1: 1 of 1,612,974 alleles (0.000062%); highest among the groups gnomAD compares: Non-Finnish European, 0.000085%; no homozygotes.

Submissions (2):

GeneDx
Classification: Likely pathogenic. Last evaluated: 2023-04-11. Review status: criteria provided, single submitter. Criteria: GeneDx Variant Classification Process June 2021. Collection method: clinical testing. Allele origin: germline. Affected: yes.
Comment: Identified with a second TSHR variant, phase unknown, in a patient with hypothyroidisim in the published literature (Gagne et al., 1998); Published RT-PCR studies of this variant demonstrate that this variant leads to abnormal splicing (Gagne et al., 1998); Not observed at significant frequency in large population cohorts (gnomAD); This variant is associated with the following publications: (PMID: 9589691)

OMIM
Classification: Pathogenic for HYPOTHYROIDISM, CONGENITAL, NONGOITROUS, 1. Last evaluated: 1998-05-01. Review status: no assertion criteria provided. Collection method: literature only. Allele origin: germline. Not counted in ClinVar's aggregate classification.

Literature cited by the submitters: PubMed 9589691 (cited by OMIM).